The following is an entry in ClinVar:

ClinVar aggregate classification (germline): Uncertain significance (1 of 4 stars; one submission).

Conditions:
DICER1-related tumor predisposition. Also called: DICER1 syndrome; DICER1-related pleuropulmonary blastoma cancer predisposition syndrome. Identifiers: Orphanet 284343, MedGen C3839822, MONDO:0100216.

Submission:

Labcorp Genetics (formerly Invitae), Labcorp
Classification: Uncertain significance for DICER1-related tumor predisposition. Last evaluated: 2024-03-30. Review status: criteria provided, single submitter. Criteria: Invitae Variant Classification Sherloc (09022015). Collection method: clinical testing. Allele origin: germline.
Comment: This sequence change replaces glutamic acid, which is acidic and polar, with valine, which is neutral and non-polar, at codon 431 of the DICER1 protein (p.Glu431Val). This variant is not present in population databases (gnomAD no frequency). This variant has not been reported in the literature in individuals affected with DICER1-related conditions. An algorithm developed to predict the effect of missense changes on protein structure and function (PolyPhen-2) suggests that this variant is likely to be disruptive. In summary, the available evidence is currently insufficient to determine the role of this variant in disease. Therefore, it has been classified as a Variant of Uncertain Significance.

NM_177438.3(DICER1):c.1292A>T (p.Glu431Val)

Gene: DICER1 (dicer 1, ribonuclease III; minus strand). Cytogenetic location: 14q32.13.
Variant type: single nucleotide variant.
Coding change: c.1292A>T on transcript NM_177438.3 (MANE Select); coding-DNA position 1292, A replaced by T.
Protein change: p.Glu431Val; replaces glutamic acid 431 with valine.
Molecular consequence: missense variant. On other transcripts: 5 prime UTR variant (1), non-coding transcript variant (6).
Genome position (GRCh38, 1-based): chr14:95,124,280, T>A on the plus strand (A>T on the coding strand, the complement: DICER1 is on the minus strand). VCF-style: chr14-95124280-T-A. GRCh37 (hg19) VCF-style: chr14-95590617-T-A.
Other names: c.1292A>T, p.Glu431Val (NM_001195573.1, NM_001271282.3, NM_001291628.2 and 14 more transcripts); c.1010A>T, p.Glu337Val (NM_001395686.1); c.887A>T, p.Glu296Val (NM_001395687.1, NM_001395688.1, NM_001395689.1 and 3 more transcripts); c.725A>T, p.Glu242Val (NM_001395691.1); c.-277A>T (NM_001395697.1); short protein forms E431V, E296V, E337V, E242V.
Identifiers: ClinVar variation 3648184 (VCV003648184.2).